The following is an entry in ClinVar:

NM_001845.6(COL4A1):c.445C>A (p.Pro149Thr)

Gene: COL4A1 (collagen type IV alpha 1 chain; minus strand). Cytogenetic location: 13q34.
Variant type: single nucleotide variant.
Coding change: c.445C>A on transcript NM_001845.6 (MANE Select); coding-DNA position 445, C replaced by A.
Protein change: p.Pro149Thr; replaces proline 149 with threonine.
Molecular consequence: missense variant.
Genome position (GRCh38, 1-based): chr13:110,211,670, G>T on the plus strand (C>A on the coding strand, the complement: COL4A1 is on the minus strand). VCF-style: chr13-110211670-G-T. GRCh37 (hg19) VCF-style: chr13-110864017-G-T.
Other names: c.445C>A, p.Pro149Thr (NM_001303110.2); short protein forms P149T.
Identifiers: ClinVar variation 2501476 (VCV002501476.1), dbSNP rs2501600635, ClinGen allele CA388726115.

ClinVar aggregate classification (germline): Uncertain significance (1 of 4 stars; one submission).

Submission:

GeneDx
Classification: Uncertain significance. Last evaluated: 2022-11-03. Review status: criteria provided, single submitter. Criteria: GeneDx Variant Classification Process June 2021. Collection method: clinical testing. Allele origin: germline. Affected: yes.
Comment: Not observed at significant frequency in large population cohorts (gnomAD); In silico analysis supports that this missense variant does not alter protein structure/function; Has not been previously published as pathogenic or benign to our knowledge